The following is an entry in ClinVar:

ClinVar aggregate classification (germline): Uncertain significance. Review status: criteria provided, multiple submitters, no conflicts (2 of 4 stars). 2 submissions from 2 submitters: Uncertain significance (2). Last evaluated 2024-03-28.

Conditions:
POLD1-related polyposis and colorectal cancer syndrome (CRCS10). Also called: Colorectal cancer 10; COLORECTAL CANCER, SUSCEPTIBILITY TO, ON CHROMOSOME 19q; Colorectal cancer, susceptibility to, 10. Identifiers: Orphanet 220460, MedGen C2675481, MONDO:0012953, OMIM 612591.

Allele frequency attached by ClinVar (database versions not stated): TOPMed below 0.00001.
gnomAD v4.1: 1 of 1,608,926 alleles (0.000062%); highest among the groups gnomAD compares: Non-Finnish European, 0.000085%; no homozygotes.

Submissions (2):

Labcorp Genetics (formerly Invitae), Labcorp
Classification: Uncertain significance for POLD1-related polyposis and colorectal cancer syndrome. Last evaluated: 2024-03-28. Review status: criteria provided, single submitter. Criteria: Invitae Variant Classification Sherloc (09022015). Collection method: clinical testing. Allele origin: germline.
Comment: This sequence change replaces arginine, which is basic and polar, with glycine, which is neutral and non-polar, at codon 1082 of the POLD1 protein (p.Arg1082Gly). This variant is not present in population databases (gnomAD no frequency). This variant has not been reported in the literature in individuals affected with POLD1-related conditions. ClinVar contains an entry for this variant (Variation ID: 953620). Advanced modeling of protein sequence and biophysical properties (such as structural, functional, and spatial information, amino acid conservation, physicochemical variation, residue mobility, and thermodynamic stability) performed at Invitae indicates that this missense variant is expected to disrupt POLD1 protein function with a positive predictive value of 80%. In summary, the available evidence is currently insufficient to determine the role of this variant in disease. Therefore, it has been classified as a Variant of Uncertain Significance.

GeneDx
Classification: Uncertain significance. Last evaluated: 2022-12-28. Review status: criteria provided, single submitter. Criteria: GeneDx Variant Classification Process June 2021. Collection method: clinical testing. Allele origin: germline. Affected: yes.
Comment: Not observed in large population cohorts (gnomAD); In silico analysis supports that this missense variant has a deleterious effect on protein structure/function; Observed in an individual with medulloblastoma (Zhang et al., 2015); This variant is associated with the following publications: (PMID: 19296856, 26580448)

NM_002691.4(POLD1):c.3244C>G (p.Arg1082Gly)

Gene: POLD1 (DNA polymerase delta 1, catalytic subunit; plus strand). Cytogenetic location: 19q13.33.
Variant type: single nucleotide variant.
Coding change: c.3244C>G on transcript NM_002691.4 (MANE Select); coding-DNA position 3244, C replaced by G.
Protein change: p.Arg1082Gly; replaces arginine 1082 with glycine.
Molecular consequence: missense variant. On other transcripts: non-coding transcript variant (1).
Genome position (GRCh38, 1-based): chr19:50,417,867, C>G. VCF-style: chr19-50417867-C-G. GRCh37 (hg19) VCF-style: chr19-50921124-C-G.
Other names: c.3244C>G, p.Arg1082Gly (NM_001256849.1); c.3322C>G, p.Arg1108Gly (NM_001308632.1); short protein forms R1082G, R1108G.
Identifiers: ClinVar variation 953620 (VCV000953620.12), dbSNP rs1307047144, ClinGen allele CA16040479.